The following is an entry in ClinVar:

ClinVar aggregate classification (germline): Likely benign. Review status: criteria provided, single submitter (1 of 4 stars). 2 submissions from 2 submitters: Likely benign (1). 1 of the submissions does not count toward it. Last evaluated 2023-12-07.

Conditions:
LZTFL1-related disorder. Also called: LZTFL1-related condition.

Allele frequency attached by ClinVar (database versions not stated): TOPMed 0.00001; ExAC 0.00002; gnomAD exomes 0.00002.
gnomAD v4.1: 8 of 1,614,220 alleles (0.0005%); highest among the groups gnomAD compares: Admixed American, 0.0083%; no homozygotes.

Submissions (2):

Labcorp Genetics (formerly Invitae), Labcorp
Classification: Likely benign. Last evaluated: 2023-12-07. Review status: criteria provided, single submitter. Criteria: Invitae Variant Classification Sherloc (09022015). Collection method: clinical testing. Allele origin: germline.

PreventionGenetics, part of Exact Sciences
Classification: Likely benign for LZTFL1-related condition. Last evaluated: 2024-03-15. Review status: no assertion criteria provided. Collection method: clinical testing. Allele origin: germline. Not counted in ClinVar's aggregate classification.
Comment: This variant is classified as likely benign based on ACMG/AMP sequence variant interpretation guidelines (Richards et al. 2015 PMID: 25741868, with internal and published modifications).

NM_020347.4(LZTFL1):c.675A>G (p.Thr225=)

Gene: LZTFL1 (leucine zipper transcription factor like 1; minus strand). Cytogenetic location: 3p21.31.
Variant type: single nucleotide variant.
Coding change: c.675A>G on transcript NM_020347.4 (MANE Select); coding-DNA position 675, A replaced by G.
Protein change: p.Thr225=; no amino-acid change (threonine 225 retained).
Molecular consequence: synonymous variant. On other transcripts: non-coding transcript variant (1).
Genome position (GRCh38, 1-based): chr3:45,828,541, T>C on the plus strand (A>G on the coding strand, the complement: LZTFL1 is on the minus strand). VCF-style: chr3-45828541-T-C. GRCh37 (hg19) VCF-style: chr3-45870033-T-C.
Other names: c.624A>G, p.Thr208= (NM_001276378.2, NM_001386451.1); c.663A>G, p.Thr221= (NM_001276379.2); c.675A>G, p.Thr225= (NM_001386452.1); c.675A>G (NM_020347.3).
Identifiers: ClinVar variation 1581395 (VCV001581395.9), dbSNP rs745694278, ClinGen allele CA2351881.
Genomic context (GRCh38, chr3:45,828,541, plus strand): 5'-GTGCTTGGCTGTCGCCAGATTCTCCTCCAGTGACTTCTGGTTTTCTGTCTTGTCATTAAG[T>C]GTCTTCTGAAACTCACTCTTTAAGGCAGCGACAGTGTTTTCTAAGTTACTTAAGTCTTGG-3'
Protein context (NP_065080.1, residues 215-235): VAALKSEFQK[Thr225=]LNDKTENQKS